The following is an entry in ClinVar:

ClinVar aggregate classification (germline): Likely benign (1 of 4 stars; one submission).

Allele frequency attached by ClinVar (database versions not stated): 1000 Genomes Project 30x 0.00125; 1000 Genomes Project 0.00140; TOPMed 0.00173; gnomAD 0.00182; ESP Exome Variant Server 0.00185; ExAC 0.00406.
gnomAD v4.1: 3,694 of 1,604,260 alleles (0.23%); highest among the groups gnomAD compares: Middle Eastern, 2.8%; 23 homozygotes.

Submission:

CeGaT Center for Human Genetics Tuebingen
Classification: Likely benign. Last evaluated: 2022-12-01. Review status: criteria provided, single submitter. Criteria: CeGaT Center For Human Genetics Tuebingen Variant Classification Criteria Version 2. Collection method: clinical testing. Allele origin: germline. Affected: yes. Observed: 1 variant allele.
Comment: PAK4: BS2

NM_005884.5(PAK4):c.1663C>G (p.Arg555Gly)

Gene: PAK4 (p21 (RAC1) activated kinase 4; plus strand). Cytogenetic location: 19q13.2.
Variant type: single nucleotide variant.
Coding change: c.1663C>G on transcript NM_005884.5 (MANE Select); coding-DNA position 1663, C replaced by G.
Protein change: p.Arg555Gly; replaces arginine 555 with glycine.
Molecular consequence: missense variant.
Genome position (GRCh38, 1-based): chr19:39,178,466, C>G. VCF-style: chr19-39178466-C-G. GRCh37 (hg19) VCF-style: chr19-39669106-C-G.
Other names: c.1663C>G, p.Arg555Gly (NM_001014831.3, NM_001014832.2, NM_001394501.1); c.1204C>G, p.Arg402Gly (NM_001014834.3, NM_001014835.2); short protein forms R402G, R555G.
Identifiers: ClinVar variation 2649830 (VCV002649830.24), dbSNP rs56084716, ClinGen allele CA9425352.